The following is an entry in ClinVar:

ClinVar aggregate classification (germline): Uncertain significance (1 of 4 stars; one submission).

Conditions:
Inborn genetic diseases. Identifiers: MedGen C0950123, MeSH D030342.

Submission:

Ambry Genetics
Classification: Uncertain significance for Inborn genetic diseases. Last evaluated: 2025-12-29. Review status: criteria provided, single submitter. Criteria: Ambry Variant Classification Scheme 2023. Collection method: clinical testing. Allele origin: germline.
Comment: The p.L369Q variant (also known as c.1106T>A), located in coding exon 12 of the RTEL1 gene, results from a T to A substitution at nucleotide position 1106. The leucine at codon 369 is replaced by glutamine, an amino acid with dissimilar properties. This amino acid position is conserved. In addition, this alteration is predicted to be deleterious by in silico analysis. Based on the available evidence, the clinical significance of this variant remains unclear.

NM_001283009.2(RTEL1):c.1106T>A (p.Leu369Gln)

Genes: RTEL1 (regulator of telomere elongation helicase 1; plus strand), RTEL1-TNFRSF6B (RTEL1-TNFRSF6B readthrough (NMD candidate); plus strand). Cytogenetic location: 20q13.33.
Variant type: single nucleotide variant.
Coding change: c.1106T>A on transcript NM_001283009.2 (MANE Select); coding-DNA position 1106, T replaced by A.
Protein change: p.Leu369Gln; replaces leucine 369 with glutamine.
Molecular consequence: missense variant. On other transcripts: non-coding transcript variant (1).
Genome position (GRCh38, 1-based): chr20:63,679,917, T>A. VCF-style: chr20-63679917-T-A. GRCh37 (hg19) VCF-style: chr20-62311270-T-A.
Other names: c.437T>A, p.Leu146Gln (NM_001283010.1); c.1106T>A, p.Leu369Gln (NM_016434.4); c.1178T>A, p.Leu393Gln (NM_032957.5); short protein forms L393Q, L146Q, L369Q.
Identifiers: ClinVar variation 4844080 (VCV004844080.1).